The following is an entry in ClinVar:

NM_018026.4(PACS1):c.1862C>T (p.Pro621Leu)

Gene: PACS1 (phosphofurin acidic cluster sorting protein 1; plus strand). Cytogenetic location: 11q13.2.
Variant type: single nucleotide variant.
Coding change: c.1862C>T on transcript NM_018026.4 (MANE Select); coding-DNA position 1862, C replaced by T.
Protein change: p.Pro621Leu; replaces proline 621 with leucine.
Molecular consequence: missense variant.
Genome position (GRCh38, 1-based): chr11:66,233,808, C>T. VCF-style: chr11-66233808-C-T. GRCh37 (hg19) VCF-style: chr11-66001279-C-T.
Other names: short protein forms P621L.
Identifiers: ClinVar variation 545090 (VCV000545090.7), dbSNP rs1554993480, ClinGen allele CA381371977.

ClinVar aggregate classification (germline): Uncertain significance. Review status: criteria provided, multiple submitters, no conflicts (2 of 4 stars). 3 submissions from 3 submitters: Uncertain significance (2). 1 of the submissions does not count toward it. Last evaluated 2024-08-27.

Conditions:
Schuurs-Hoeijmakers syndrome. Also called: PACS1-Related Neurodevelopmental Disorder. Identifiers: Orphanet 329224, MedGen C3554343, MONDO:0014006, OMIM 615009.

gnomAD v4.1: 3 of 1,613,844 alleles (0.00019%); highest among the groups gnomAD compares: Non-Finnish European, 0.00017%; no homozygotes.

Submissions (3):

Blueprint Genetics
Classification: Uncertain significance. Last evaluated: 2024-08-27. Review status: criteria provided, single submitter. Criteria: ACMG Guidelines, 2015. Collection method: clinical testing. Allele origin: germline.

Labcorp Genetics (formerly Invitae), Labcorp
Classification: Uncertain significance for Schuurs-Hoeijmakers syndrome. Last evaluated: 2023-10-13. Review status: criteria provided, single submitter. Criteria: Invitae Variant Classification Sherloc (09022015). Collection method: clinical testing. Allele origin: germline.
Comment: This sequence change replaces proline, which is neutral and non-polar, with leucine, which is neutral and non-polar, at codon 621 of the PACS1 protein (p.Pro621Leu). This variant is not present in population databases (gnomAD no frequency). This variant has not been reported in the literature in individuals affected with PACS1-related conditions. ClinVar contains an entry for this variant (Variation ID: 545090). Advanced modeling of protein sequence and biophysical properties (such as structural, functional, and spatial information, amino acid conservation, physicochemical variation, residue mobility, and thermodynamic stability) performed at Invitae indicates that this missense variant is not expected to disrupt PACS1 protein function. In summary, the available evidence is currently insufficient to determine the role of this variant in disease. Therefore, it has been classified as a Variant of Uncertain Significance.

Laboratory of Molecular Genetics (Pr. Bezieau's lab), CHU de Nantes
Classification: Uncertain significance. Last evaluated: 2017-10-12. Review status: no assertion criteria provided. Collection method: clinical testing. Allele origin: germline. Affected: yes. Not counted in ClinVar's aggregate classification.